The following is an entry in ClinVar:

NM_005901.6(SMAD2):c.260T>A (p.Leu87Gln)

Gene: SMAD2 (SMAD family member 2; minus strand). Cytogenetic location: 18q21.1.
Variant type: single nucleotide variant.
Coding change: c.260T>A on transcript NM_005901.6 (MANE Select); coding-DNA position 260, T replaced by A.
Protein change: p.Leu87Gln; replaces leucine 87 with glutamine.
Molecular consequence: missense variant. On other transcripts: intron variant (1).
Genome position (GRCh38, 1-based): chr18:47,870,541, A>T on the plus strand (T>A on the coding strand, the complement: SMAD2 is on the minus strand). VCF-style: chr18-47870541-A-T. GRCh37 (hg19) VCF-style: chr18-45396912-A-T.
Other names: c.260T>A, p.Leu87Gln (NM_001003652.4); c.237-1105T>A (NM_001135937.3); short protein forms L87Q.
Identifiers: ClinVar variation 3225159 (VCV003225159.3), dbSNP rs779006352, ClinGen allele CA402502412.
Genomic context (GRCh38, chr18:47,870,541, plus strand): 5'-TGTTCAGAGAAGCTGTAAAGGCCTGTTGTATCCCACTGATCTATCGTATTTGGTGTACTC[A>T]GTCCCCAAATTTCAGAGCAAGTGCTGTGCATAAATTGAAAAACAAAAAATTGATGTGAAC-3'
Protein context (NP_005892.1, residues 77-97): IPSTCSEIWG[Leu87Gln]STPNTIDQWD

ClinVar aggregate classification (germline): Uncertain significance. Review status: criteria provided, multiple submitters, no conflicts (2 of 4 stars). 2 submissions from 2 submitters: Uncertain significance (2). Last evaluated 2024-10-16.

Conditions:
Inborn genetic diseases. Identifiers: MedGen C0950123, MeSH D030342.

Submissions (2):

Labcorp Genetics (formerly Invitae), Labcorp
Classification: Uncertain significance. Last evaluated: 2024-10-16. Review status: criteria provided, single submitter. Criteria: Invitae Variant Classification Sherloc (09022015). Collection method: clinical testing. Allele origin: germline.
Comment: This sequence change replaces leucine, which is neutral and non-polar, with glutamine, which is neutral and polar, at codon 87 of the SMAD2 protein (p.Leu87Gln). This variant is not present in population databases (gnomAD no frequency). This variant has not been reported in the literature in individuals affected with SMAD2-related conditions. Invitae Evidence Modeling of protein sequence and biophysical properties (such as structural, functional, and spatial information, amino acid conservation, physicochemical variation, residue mobility, and thermodynamic stability) indicates that this missense variant is not expected to disrupt SMAD2 protein function with a negative predictive value of 95%. In summary, the available evidence is currently insufficient to determine the role of this variant in disease. Therefore, it has been classified as a Variant of Uncertain Significance.

Ambry Genetics
Classification: Uncertain significance for Inborn genetic diseases. Last evaluated: 2023-12-10. Review status: criteria provided, single submitter. Criteria: Ambry Variant Classification Scheme 2023. Collection method: clinical testing. Allele origin: germline.
Comment: The p.L87Q variant (also known as c.260T>A), located in coding exon 2 of the SMAD2 gene, results from a T to A substitution at nucleotide position 260. The leucine at codon 87 is replaced by glutamine, an amino acid with dissimilar properties. This amino acid position is conserved. In addition, this alteration is predicted to be deleterious by in silico analysis. Since supporting evidence is limited at this time, the clinical significance of this alteration remains unclear.